The following is an entry in ClinVar:

NM_001378183.1(PIEZO2):c.3728T>C (p.Ile1243Thr)

Gene: PIEZO2 (piezo type mechanosensitive ion channel component 2; minus strand). Cytogenetic location: 18p11.22.
Variant type: single nucleotide variant.
Coding change: c.3728T>C on transcript NM_001378183.1 (MANE Select); coding-DNA position 3728, T replaced by C.
Protein change: p.Ile1243Thr; replaces isoleucine 1243 with threonine.
Molecular consequence: missense variant.
Genome position (GRCh38, 1-based): chr18:10,759,511, A>G on the plus strand (T>C on the coding strand, the complement: PIEZO2 is on the minus strand). VCF-style: chr18-10759511-A-G. GRCh37 (hg19) VCF-style: chr18-10759509-A-G.
Other names: c.3653T>C, p.Ile1218Thr (NM_022068.4); short protein forms I1218T, I1243T.
Identifiers: ClinVar variation 1313568 (VCV001313568.30), dbSNP rs376185795, ClinGen allele CA8892507.
Genomic context (GRCh38, chr18:10,759,511, plus strand): 5'-CACTCTGTGGCCCTGCAGTGGAAACACTTACAGACGAGAAACACAGGGTTGGGCCGCACA[A>G]TGAAATCTGGGAAGTACAGCCACTTTATGATGTTGTCATTGAAGCTGGCACCCTTGAATC-3'
Protein context (NP_001365112.1, residues 1233-1253): IIKWLYFPDF[Ile1243Thr]VRPNPVFLVY

ClinVar aggregate classification (germline): Uncertain significance. Review status: criteria provided, multiple submitters, no conflicts (2 of 4 stars). 4 submissions from 4 submitters: Uncertain significance (4). Last evaluated 2024-06-09.

Conditions:
Inborn genetic diseases. Identifiers: MedGen C0950123, MeSH D030342.

Allele frequency attached by ClinVar (database versions not stated): gnomAD 0.00017 and 0.00022; gnomAD exomes 0.00021; ESP Exome Variant Server 0.00022; TOPMed 0.00022; ExAC 0.00026; 1000 Genomes Project 30x 0.00031; 1000 Genomes Project 0.00040.
gnomAD v4.1: 290 of 1,537,162 alleles (0.019%); highest among the groups gnomAD compares: South Asian, 0.038%; no homozygotes.

Submissions (4):

Labcorp Genetics (formerly Invitae), Labcorp
Classification: Uncertain significance. Last evaluated: 2024-06-09. Review status: criteria provided, single submitter. Criteria: Invitae Variant Classification Sherloc (09022015). Collection method: clinical testing. Allele origin: germline.
Comment: This sequence change replaces isoleucine, which is neutral and non-polar, with threonine, which is neutral and polar, at codon 1218 of the PIEZO2 protein (p.Ile1218Thr). This variant is present in population databases (rs376185795, gnomAD 0.04%). This variant has not been reported in the literature in individuals affected with PIEZO2-related conditions. ClinVar contains an entry for this variant (Variation ID: 1313568). Advanced modeling of protein sequence and biophysical properties (such as structural, functional, and spatial information, amino acid conservation, physicochemical variation, residue mobility, and thermodynamic stability) performed at Invitae indicates that this missense variant is not expected to disrupt PIEZO2 protein function with a negative predictive value of 80%. In summary, the available evidence is currently insufficient to determine the role of this variant in disease. Therefore, it has been classified as a Variant of Uncertain Significance.

CeGaT Center for Human Genetics Tuebingen
Classification: Uncertain significance. Last evaluated: 2022-07-01. Review status: criteria provided, single submitter. Criteria: CeGaT Center For Human Genetics Tuebingen Variant Classification Criteria Version 2. Collection method: clinical testing. Allele origin: germline. Affected: yes. Observed: 1 variant allele.
Comment: PIEZO2: PM2, PP2

Ambry Genetics
Classification: Uncertain significance for Inborn genetic diseases. Last evaluated: 2021-08-09. Review status: criteria provided, single submitter. Criteria: Ambry Variant Classification Scheme 2023. Collection method: clinical testing. Allele origin: germline.

GeneDx
Classification: Uncertain significance. Last evaluated: 2020-10-21. Review status: criteria provided, single submitter. Criteria: GeneDx Variant Classification Process June 2021. Collection method: clinical testing. Allele origin: germline. Affected: yes.
Comment: In silico analysis supports that this missense variant does not alter protein structure/function; Has not been previously published as pathogenic or benign to our knowledge